The following is an entry in ClinVar:

NM_014979.4(SV2C):c.906G>A (p.Pro302=)

Gene: SV2C (synaptic vesicle glycoprotein 2C; plus strand). Cytogenetic location: 5q13.3.
Variant type: single nucleotide variant.
Coding change: c.906G>A on transcript NM_014979.4 (MANE Select); coding-DNA position 906, G replaced by A.
Protein change: p.Pro302=; no amino-acid change (proline 302 retained).
Molecular consequence: synonymous variant.
Genome position (GRCh38, 1-based): chr5:76,209,880, G>A. VCF-style: chr5-76209880-G-A. GRCh37 (hg19) VCF-style: chr5-75505705-G-A.
Other names: c.906G>A, p.Pro302= (NM_001297716.2).
Identifiers: ClinVar variation 3051777 (VCV003051777.2), dbSNP rs372729641, ClinGen allele CA3311090.

ClinVar aggregate classification (germline): Likely benign (0 of 4 stars; one submission).

Conditions:
SV2C-related disorder. Also called: SV2C-related condition.

Allele frequency attached by ClinVar (database versions not stated): gnomAD exomes 0.00015; ExAC 0.00019; TOPMed 0.00019; gnomAD 0.00024; ESP Exome Variant Server 0.00031.
gnomAD v4.1: 260 of 1,612,148 alleles (0.016%); highest among the groups gnomAD compares: African/African-American, 0.039%; 1 homozygote.

Submission:

PreventionGenetics, part of Exact Sciences
Classification: Likely benign for SV2C-related condition. Last evaluated: 2019-04-02. Review status: no assertion criteria provided. Collection method: clinical testing. Allele origin: germline.
Comment: This variant is classified as likely benign based on ACMG/AMP sequence variant interpretation guidelines (Richards et al. 2015 PMID: 25741868, with internal and published modifications).